The following is an entry in ClinVar:

NM_001010874.5(TECRL):c.700T>C (p.Tyr234His)

Gene: TECRL (trans-2,3-enoyl-CoA reductase like; minus strand). Cytogenetic location: 4q13.1.
Variant type: single nucleotide variant.
Coding change: c.700T>C on transcript NM_001010874.5 (MANE Select); coding-DNA position 700, T replaced by C.
Protein change: p.Tyr234His; replaces tyrosine 234 with histidine.
Molecular consequence: missense variant.
Genome position (GRCh38, 1-based): chr4:64,305,196, A>G on the plus strand (T>C on the coding strand, the complement: TECRL is on the minus strand). VCF-style: chr4-64305196-A-G. GRCh37 (hg19) VCF-style: chr4-65170914-A-G.
Other names: c.700T>C, p.Tyr234His (NM_001363796.1); short protein forms Y234H.
Identifiers: ClinVar variation 1756684 (VCV001756684.3), dbSNP rs199828676, ClinGen allele CA98615955.

ClinVar aggregate classification (germline): Uncertain significance (1 of 4 stars; one submission).

Conditions:
Cardiovascular phenotype. Identifiers: MedGen CN230736.

Allele frequency attached by ClinVar (database versions not stated): TOPMed below 0.00001; gnomAD 0.00001; gnomAD exomes 0.00001.
gnomAD v4.1: 6 of 1,612,812 alleles (0.00037%); highest among the groups gnomAD compares: Non-Finnish European, 0.00051%; no homozygotes.

Submission:

Ambry Genetics
Classification: Uncertain significance for Cardiovascular phenotype. Last evaluated: 2025-12-19. Review status: criteria provided, single submitter. Criteria: Ambry Variant Classification Scheme 2023. Collection method: clinical testing. Allele origin: germline.
Comment: The p.Y234H variant (also known as c.700T>C), located in coding exon 7 of the TECRL gene, results from a T to C substitution at nucleotide position 700. The tyrosine at codon 234 is replaced by histidine, an amino acid with similar properties. This amino acid position is conserved. In addition, the in silico prediction for this alteration is inconclusive. Since supporting evidence is limited at this time, the clinical significance of this alteration remains unclear.